The following is an entry in ClinVar:

ClinVar aggregate classification (germline): Uncertain significance (1 of 4 stars; one submission).

Conditions:
Spondylocostal dysostosis 3, autosomal recessive (SCDO3). Also called: LFNG-Related Spondylocostal Dysostosis, Autosomal Recessive. Identifiers: Orphanet 2311, MedGen C1853296, MONDO:0012349, OMIM 609813.

Submission:

Labcorp Genetics (formerly Invitae), Labcorp
Classification: Uncertain significance for Spondylocostal dysostosis 3, autosomal recessive. Last evaluated: 2020-07-30. Review status: criteria provided, single submitter. Criteria: Invitae Variant Classification Sherloc (09022015). Collection method: clinical testing. Allele origin: germline.
Comment: This sequence change replaces serine with isoleucine at codon 44 of the LFNG protein (p.Ser44Ile). The serine residue is weakly conserved and there is a large physicochemical difference between serine and isoleucine. The frequency data for this variant in the population databases is considered unreliable, as metrics indicate insufficient coverage at this position in the ExAC database. This variant has not been reported in the literature in individuals with LFNG-related conditions. In summary, the available evidence is currently insufficient to determine the role of this variant in disease. Therefore, it has been classified as a Variant of Uncertain Significance.

NM_001040167.2(LFNG):c.131G>T (p.Ser44Ile)

Gene: LFNG (LFNG O-fucosylpeptide 3-beta-N-acetylglucosaminyltransferase; plus strand). Cytogenetic location: 7p22.3.
Variant type: single nucleotide variant.
Coding change: c.131G>T on transcript NM_001040167.2 (MANE Select); coding-DNA position 131, G replaced by T.
Protein change: p.Ser44Ile; replaces serine 44 with isoleucine.
Molecular consequence: missense variant. On other transcripts: intron variant (2).
Genome position (GRCh38, 1-based): chr7:2,519,992, G>T. VCF-style: chr7-2519992-G-T. GRCh37 (hg19) VCF-style: chr7-2559626-G-T.
Other names: c.131G>T, p.Ser44Ile (NM_001040168.2); c.220-4703G>T (NM_001166355.2); c.45+1394G>T (NM_002304.3); short protein forms S44I.
Identifiers: ClinVar variation 1045090 (VCV001045090.6), dbSNP rs1369297768, ClinGen allele CA366613117.
Genomic context (GRCh38, chr7:2,519,992, plus strand): 5'-TCACCGCCGACCCGCCGCCGCCTCCACTGCCCGCCGAGCGCGGCCGGCGCGCGCTGCGCA[G>T]CCTGGCGGGCCCCGCGGGGGCTGCCCCGGCGCCCGGGCTGGGGGCGGCGGCGGCGGCGCC-3'
Protein context (NP_001035257.1, residues 34-54): PAERGRRALR[Ser44Ile]LAGPAGAAPA